The following is an entry in ClinVar:

NM_018972.4(GDAP1):c.311-23A>G

Gene: GDAP1 (ganglioside induced differentiation associated protein 1; plus strand). Cytogenetic location: 8q21.11.
Variant type: single nucleotide variant.
Coding change: c.311-23A>G on transcript NM_018972.4 (MANE Select); 23 bases into the intron before coding-DNA position 311, A replaced by G.
Molecular consequence: intron variant.
Genome position (GRCh38, 1-based): chr8:74,360,114, A>G. VCF-style: chr8-74360114-A-G. GRCh37 (hg19) VCF-style: chr8-75272349-A-G.
Other names: c.311-23A>G (NM_001362931.2); c.311-1770A>G (NM_001362930.2); c.-17-23A>G (NM_001362929.2, NM_001362932.2); c.107-23A>G (NM_001040875.4).
Identifiers: ClinVar variation 4533325 (VCV004533325.1).
Genomic context (GRCh38, chr8:74,360,114, plus strand): 5'-AGTGGATAGTGTTTTTGTTTTGCTTTTGAGTGTAACAACTCATGTGTAACTTTTTCTTCA[A>G]TATTTGTGTGTGTGTATTTTAGAAAGAACACCCAGGTTAATGCCTGATAAAGAAAGCATG-3'

ClinVar aggregate classification (germline): Likely pathogenic (1 of 4 stars; one submission).

Conditions:
Charcot-Marie-Tooth disease axonal type 2K (CMT2K). Also called: CHARCOT-MARIE-TOOTH DISEASE, AXONAL, AUTOSOMAL RECESSIVE, TYPE 2K; CHARCOT-MARIE-TOOTH NEUROPATHY, AXONAL, TYPE 2K; Charcot-Marie-Tooth disease type 2K. Identifiers: Orphanet 101097, Orphanet 99944, MedGen C1842983, MONDO:0011916, OMIM 607831.

gnomAD v4.1: 8 of 1,587,432 alleles (0.0005%); highest among the groups gnomAD compares: Non-Finnish European, 0.00069%; no homozygotes.

Submission:

Genetics Research Center, University of Social Welfare and Rehabilitation Sciences
Classification: Likely pathogenic for Charcot-Marie-Tooth disease axonal type 2K. Review status: criteria provided, single submitter. Criteria: ACMG Guidelines, 2015. Collection method: research. Allele origin: inherited. Inheritance: Autosomal recessive inheritance. Affected: yes.
Comment: The GDAP1:c.311-23A>G variant has been reported by Khani et al in 2020 in an Iranian family affected with autosomal recessive CMT2K. Splicing prediction tools including SpliceAI, NNSPLICE and Human Splice Finder predicted alteration of the normal splicing. The variant allele was found at a very low frequency of 0.00000557 in 1,435,330 control chromosomes in the GnomAD database, with no homozygous occurrence. In summary the variant meets the PM2, and PP1 criteria to be classified as likely pathogenic.

Literature cited by the submitters: PubMed 40711989.